The following is an entry in ClinVar:

NM_005687.5(FARSB):c.8C>G (p.Thr3Ser)

Gene: FARSB (phenylalanyl-tRNA synthetase subunit beta; minus strand). Cytogenetic location: 2q36.1.
Variant type: single nucleotide variant.
Coding change: c.8C>G on transcript NM_005687.5 (MANE Select); coding-DNA position 8, C replaced by G.
Protein change: p.Thr3Ser; replaces threonine 3 with serine.
Molecular consequence: missense variant. On other transcripts: non-coding transcript variant (1).
Genome position (GRCh38, 1-based): chr2:222,656,066, G>C on the plus strand (C>G on the coding strand, the complement: FARSB is on the minus strand). VCF-style: chr2-222656066-G-C. GRCh37 (hg19) VCF-style: chr2-223520785-G-C.
Other names: short protein forms T3S.
Identifiers: ClinVar variation 1941940 (VCV001941940.5), dbSNP rs762100152, ClinGen allele CA350822424.

ClinVar aggregate classification (germline): Uncertain significance (1 of 4 stars; one submission).

Allele frequency attached by ClinVar (database versions not stated): gnomAD 0.00001.
gnomAD v4.1: 7 of 1,596,416 alleles (0.00044%); highest among the groups gnomAD compares: South Asian, 0.0068%; no homozygotes.

Submission:

Labcorp Genetics (formerly Invitae), Labcorp
Classification: Uncertain significance. Last evaluated: 2022-11-01. Review status: criteria provided, single submitter. Criteria: Invitae Variant Classification Sherloc (09022015). Collection method: clinical testing. Allele origin: germline.
Comment: In summary, the available evidence is currently insufficient to determine the role of this variant in disease. Therefore, it has been classified as a Variant of Uncertain Significance. Algorithms developed to predict the effect of missense changes on protein structure and function are either unavailable or do not agree on the potential impact of this missense change (SIFT: "Deleterious"; PolyPhen-2: "Benign"; Align-GVGD: "Class C0"). This variant has not been reported in the literature in individuals affected with FARSB-related conditions. The frequency data for this variant in the population databases is considered unreliable, as metrics indicate poor data quality at this position in the gnomAD database. This sequence change replaces threonine, which is neutral and polar, with serine, which is neutral and polar, at codon 3 of the FARSB protein (p.Thr3Ser).